The following is an entry in ClinVar:

NM_024757.5(EHMT1):c.987_988del (p.Lys330fs)

Gene: EHMT1 (euchromatic histone lysine methyltransferase 1; plus strand). Cytogenetic location: 9q34.3.
Variant type: Microsatellite.
Coding change: c.987_988del on transcript NM_024757.5 (MANE Select); coding-DNA positions 987 to 988, 2 bases deleted (GA; older notation c.987_988delGA).
Protein change: p.Lys330fs; shifts the reading frame from lysine 330.
Molecular consequence: frameshift variant.
Genome position (GRCh38, 1-based): chr9:137,743,907-137,743,908, GA deleted; deleting any 2 consecutive bases within chr9:137,743,905-137,743,908 gives the same sequence; the c. name uses the placement nearest the transcript's 3' end. VCF-style (leftmost placement, unchanged base first): chr9-137743904-GGA-G. GRCh37 (hg19) VCF-style: chr9-140638356-GGA-G.
Other names: c.987_988del, p.Lys330fs (NM_001145527.2, NM_001354611.2); c.894_895del, p.Lys299fs (NM_001354259.2, NM_001354612.2); c.966_967del, p.Lys323fs (NM_001354263.2); short protein forms K299fs, K323fs, K330fs.
Identifiers: ClinVar variation 3236887 (VCV003236887.1).
Genomic context (GRCh38, chr9:137,743,904, plus strand): 5'-AGTTTGTTCATGATGCGCACTGATCCTGCCTTGGGGTATACACCTGCCCGTGTTCTAGGG[GGA>G]GAAGGACCTGGGCGCCAGCAGCCTGCACGTGAATGGGGAGAGCCTGGAGATGGACTCGGA-3'

ClinVar aggregate classification (germline): Pathogenic (1 of 4 stars; one submission).

Conditions:
Kleefstra syndrome 1 (KLEFS1). Identifiers: Orphanet 261494, MedGen C0795833, MONDO:0027407, OMIM 610253.

Submission:

Laboratory of Genetics, Children's Clinical University Hospital Latvia
Classification: Pathogenic for Kleefstra syndrome 1. Review status: criteria provided, single submitter. Criteria: ACMG Guidelines, 2015. Collection method: curation. Allele origin: germline. Affected: yes.
Comment: Inheritance unknown

Literature cited by the submitters: PubMed 39013458.